The following is an entry in ClinVar:

NM_000173.7(GP1BA):c.1485C>T (p.Ile495=)

Gene: GP1BA (glycoprotein Ib platelet subunit alpha; plus strand). Cytogenetic location: 17p13.2.
Variant type: single nucleotide variant.
Coding change: c.1485C>T on transcript NM_000173.7 (MANE Select); coding-DNA position 1485, C replaced by T.
Protein change: p.Ile495=; no amino-acid change (isoleucine 495 retained).
Molecular consequence: synonymous variant.
Genome position (GRCh38, 1-based): chr17:4,934,089, C>T. VCF-style: chr17-4934089-C-T. GRCh37 (hg19) VCF-style: chr17-4837384-C-T.
Other names: p.Ile495=.
Identifiers: ClinVar variation 4684182 (VCV004684182.3).
Genomic context (GRCh38, chr17:4,934,089, plus strand): 5'-AAGCACATTTTTAACTACCACAAAACCCGTATCACTCTTAGAATCCACCAAAAAAACCAT[C>T]CCTGAACTTGATCAGCCACCAAAGCTCCGTGGGGTGCTCCAAGGGCATTTGGAGAGCTCC-3'
Protein context (NP_000164.5, residues 485-505): VSLLESTKKT[Ile495=]PELDQPPKLR

ClinVar aggregate classification (germline): Benign/Likely benign. Review status: criteria provided, multiple submitters, no conflicts (2 of 4 stars). 3 submissions from 3 submitters: Benign (1); Likely benign (2). Last evaluated 2026-01-04.

gnomAD v4.1: 1,023 of 1,613,774 alleles (0.063%); highest among the groups gnomAD compares: African/African-American, 0.92%; 3 homozygotes.

Submissions (3):

Labcorp Genetics (formerly Invitae), Labcorp
Classification: Benign. Last evaluated: 2026-01-04. Review status: criteria provided, single submitter. Criteria: Invitae Variant Classification Sherloc (09022015). Collection method: clinical testing. Allele origin: germline.

Blueprint Genetics
Classification: Likely benign. Last evaluated: 2024-08-28. Review status: criteria provided, single submitter. Criteria: ACMG Guidelines, 2015. Collection method: clinical testing. Allele origin: germline.

Mayo Clinic Laboratories, Mayo Clinic
Classification: Likely benign. Last evaluated: 2024-05-01. Review status: criteria provided, single submitter. Criteria: ACMG Guidelines, 2015. Collection method: clinical testing. Allele origin: germline. Observed: 4 variant alleles.
Comment: BS1, BP4, BP7